The following is an entry in ClinVar:

NM_001875.5(CPS1):c.381+2T>C

Gene: CPS1 (carbamoyl-phosphate synthase 1; plus strand). Cytogenetic location: 2q34.
Variant type: single nucleotide variant.
Coding change: c.381+2T>C on transcript NM_001875.5 (MANE Select); the canonical splice donor site of the intron after coding-DNA position 381, T replaced by C.
Molecular consequence: splice donor variant.
Genome position (GRCh38, 1-based): chr2:210,576,492, T>C. VCF-style: chr2-210576492-T-C. GRCh37 (hg19) VCF-style: chr2-211441216-T-C.
Other names: c.381+2T>C (NM_001369257.1, NM_001122633.3); c.414+2T>C (NM_001369256.1).
Identifiers: ClinVar variation 646357 (VCV000646357.7), dbSNP rs1574543988, ClinGen allele CA350423619.

ClinVar aggregate classification (germline): Likely pathogenic (1 of 4 stars; one submission).

Conditions:
Congenital hyperammonemia, type I. Also called: Carbamoyl phosphate synthetase I deficiency disease; CPS I DEFICIENCY; Carbamoyl-phosphate synthase I deficiency; Carbamoyl phosphate synthetase 1 deficiency; Hyperammonemia due to carbamoyl phosphate synthetase 1 deficiency; CPS 1 deficiency. Identifiers: Orphanet 147, MedGen C4082171, MONDO:0009376, OMIM 237300.

Submission:

Labcorp Genetics (formerly Invitae), Labcorp
Classification: Likely pathogenic for Congenital hyperammonemia, type I. Last evaluated: 2018-12-27. Review status: criteria provided, single submitter. Criteria: Invitae Variant Classification Sherloc (09022015). Collection method: clinical testing. Allele origin: germline.
Comment: This sequence change affects a donor splice site in intron 3 of the CPS1 gene. It is expected to disrupt RNA splicing and likely results in an absent or disrupted protein product. This variant is not present in population databases (ExAC no frequency). This variant has not been reported in the literature in individuals with CPS1-related conditions. Algorithms developed to predict the effect of sequence changes on RNA splicing suggest that this variant may disrupt the consensus splice site, but this prediction has not been confirmed by published transcriptional studies. Donor and acceptor splice site variants typically lead to a loss of protein function (PMID: 16199547), and loss-of-function variants in CPS1 are known to be pathogenic (PMID: 21120950). In summary, the currently available evidence indicates that the variant is pathogenic, but additional data are needed to prove that conclusively. Therefore, this variant has been classified as Likely Pathogenic.

Literature cited by the submitters: PubMed 16199547; PubMed 21120950.